The following is an entry in ClinVar:

NM_024649.5(BBS1):c.1531A>G (p.Thr511Ala)

Genes: BBS1 (Bardet-Biedl syndrome 1; plus strand), ZDHHC24 (zDHHC palmitoyltransferase 24; minus strand). Cytogenetic location: 11q13.2.
Variant type: single nucleotide variant.
Coding change: c.1531A>G on transcript NM_024649.5 (MANE Select); coding-DNA position 1531, A replaced by G.
Protein change: p.Thr511Ala; replaces threonine 511 with alanine.
Molecular consequence: missense variant. On other transcripts: intron variant (1).
Genome position (GRCh38, 1-based): chr11:66,530,951, A>G. VCF-style: chr11-66530951-A-G. GRCh37 (hg19) VCF-style: chr11-66298422-A-G.
Other names: c.560-1463T>C (NM_001348571.2); short protein forms T511A.
Identifiers: ClinVar variation 4989519 (VCV004989519.1).
Genomic context (GRCh38, chr11:66,530,951, plus strand): 5'-TAGGTTCAGGGCCTTGGCCCCACCTTTAAGCTCACACTTCACCTGCAGAACACCTCAACA[A>G]CCCGTCCTGTCCTGGGGCTGCTGGTCTGCTTCCTGTACAACGAGGCGCTCTATTCCCTGC-3'
Protein context (NP_078925.3, residues 501-521): LTLHLQNTST[Thr511Ala]RPVLGLLVCF

ClinVar aggregate classification (germline): Uncertain significance (1 of 4 stars; one submission).

Conditions:
BBS1-related disorder. Also called: BBS1-related condition.

Submission:

PreventionGenetics, part of Exact Sciences
Classification: Uncertain significance for BBS1-related condition. Last evaluated: 2025-03-04. Review status: criteria provided, single submitter. Criteria: ACMG Guidelines, 2015. Collection method: clinical testing. Allele origin: germline.
Comment: The BBS1 c.1531A>G variant is predicted to result in the amino acid substitution p.Thr511Ala. To our knowledge, this variant has not been reported in the literature or in a large population database (gnomAD), indicating this variant is rare. At this time, the clinical significance of this variant is uncertain due to the absence of conclusive functional and genetic evidence.